The following is an entry in ClinVar:

ClinVar aggregate classification (germline): Uncertain significance. Review status: criteria provided, multiple submitters, no conflicts (2 of 4 stars). 2 submissions from 2 submitters: Uncertain significance (2). Last evaluated 2025-08-29.

gnomAD v4.1: 12 of 1,613,002 alleles (0.00074%); highest among the groups gnomAD compares: Admixed American, 0.0067%; no homozygotes.

Submissions (2):

Ambry Genetics
Classification: Uncertain significance. Last evaluated: 2025-08-29. Review status: criteria provided, single submitter. Criteria: Ambry Variant Classification Scheme 2023. Collection method: clinical testing. Allele origin: germline.

Labcorp Genetics (formerly Invitae), Labcorp
Classification: Uncertain significance. Last evaluated: 2024-10-15. Review status: criteria provided, single submitter. Criteria: Invitae Variant Classification Sherloc (09022015). Collection method: clinical testing. Allele origin: germline.
Comment: This sequence change replaces glutamic acid, which is acidic and polar, with alanine, which is neutral and non-polar, at codon 67 of the SUCLG2 protein (p.Glu67Ala). This variant is present in population databases (rs780805541, gnomAD 0.006%). This variant has not been reported in the literature in individuals affected with SUCLG2-related conditions. An algorithm developed to predict the effect of missense changes on protein structure and function (PolyPhen-2) suggests that this variant is likely to be tolerated. In summary, the available evidence is currently insufficient to determine the role of this variant in disease. Therefore, it has been classified as a Variant of Uncertain Significance.

NM_003848.4(SUCLG2):c.200A>C (p.Glu67Ala)

Gene: SUCLG2 (succinate-CoA ligase GDP-forming subunit beta; minus strand). Cytogenetic location: 3p14.1.
Variant type: single nucleotide variant.
Coding change: c.200A>C on transcript NM_003848.4 (MANE Select); coding-DNA position 200, A replaced by C.
Protein change: p.Glu67Ala; replaces glutamic acid 67 with alanine.
Molecular consequence: missense variant.
Genome position (GRCh38, 1-based): chr3:67,609,481, T>G on the plus strand (A>C on the coding strand, the complement: SUCLG2 is on the minus strand). VCF-style: chr3-67609481-T-G. GRCh37 (hg19) VCF-style: chr3-67659905-T-G.
Other names: c.200A>C, p.Glu67Ala (NM_001177599.2); c.200A>C (NM_001177599.1); short protein forms E67A.
Identifiers: ClinVar variation 3604475 (VCV003604475.3).
Genomic context (GRCh38, chr3:67,609,481, plus strand): 5'-GCAAGTGTATTTCACCCATTATGAATCAGCTTACTTAGTCTCTTAGCAGCCTCGAGAGCT[T>G]CATTTGCAGTGTCTGCTACAAAGAATCTTTGAACTCTCACTCCGTTGTCAGACATCAGTT-3'
Protein context (NP_003839.2, residues 57-77): QRFFVADTAN[Glu67Ala]ALEAAKRLNA